The following is an entry in ClinVar:

ClinVar aggregate classification (germline): Conflicting classifications of pathogenicity. Review status: criteria provided, conflicting classifications (1 of 4 stars). 3 submissions from 3 submitters: Uncertain significance (1); Likely benign (1). 1 of the submissions does not count toward it. Last evaluated 2025-11-16.

Conditions:
BBS7-related disorder. Also called: BBS7-related condition.
Bardet-Biedl syndrome (BBS). Identifiers: Orphanet 110, MedGen C0752166, MONDO:0015229.
Bardet-Biedl syndrome 7 (BBS7). Identifiers: Orphanet 110, MedGen C1859565, MONDO:0014435, OMIM 615984.

Allele frequency attached by ClinVar (database versions not stated): gnomAD 0.00001; ExAC 0.00004.
gnomAD v4.1: 27 of 1,608,512 alleles (0.0017%); highest among the groups gnomAD compares: South Asian, 0.0055%; no homozygotes.

Submissions (3):

Labcorp Genetics (formerly Invitae), Labcorp
Classification: Likely benign for Bardet-Biedl syndrome. Last evaluated: 2025-11-16. Review status: criteria provided, single submitter. Criteria: Invitae Variant Classification Sherloc (09022015). Collection method: clinical testing. Allele origin: germline.

Fulgent Genetics
Classification: Uncertain significance for Bardet-Biedl syndrome 7. Last evaluated: 2024-02-08. Review status: criteria provided, single submitter. Criteria: ACMG Guidelines, 2015. Collection method: clinical testing. Allele origin: germline.

PreventionGenetics, part of Exact Sciences
Classification: Likely benign for BBS7-related condition. Last evaluated: 2020-11-03. Review status: no assertion criteria provided. Collection method: clinical testing. Allele origin: germline. Not counted in ClinVar's aggregate classification.
Comment: This variant is classified as likely benign based on ACMG/AMP sequence variant interpretation guidelines (Richards et al. 2015 PMID: 25741868, with internal and published modifications).

NM_176824.3(BBS7):c.934+10A>G

Gene: BBS7 (Bardet-Biedl syndrome 7; minus strand). Cytogenetic location: 4q27.
Variant type: single nucleotide variant.
Coding change: c.934+10A>G on transcript NM_176824.3 (MANE Select); 10 bases into the intron after coding-DNA position 934, A replaced by G.
Molecular consequence: intron variant.
Genome position (GRCh38, 1-based): chr4:121,848,834, T>C on the plus strand (A>G on the coding strand, the complement: BBS7 is on the minus strand). VCF-style: chr4-121848834-T-C. GRCh37 (hg19) VCF-style: chr4-122769989-T-C.
Other names: c.934+10A>G (NM_176824.2, NM_018190.4).
Identifiers: ClinVar variation 2153643 (VCV002153643.7), dbSNP rs745659988, ClinGen allele CA3064365.
Genomic context (GRCh38, chr4:121,848,834, plus strand): 5'-AGCAGTTTATTAAATTTAATTTTTTTTGTTGTTGACTCTTTCTTCAATTACCTATTATCA[T>C]TTACTTTACCTGAATATGTGGACACCACGATTTCATCATAGCTGTCTTTTCCTACACAAC-3'